The following is an entry in ClinVar:

NM_005787.6(ALG3):c.2T>C (p.Met1Thr)

Gene: ALG3 (ALG3 alpha-1,3- mannosyltransferase; minus strand). Cytogenetic location: 3q27.1.
Variant type: single nucleotide variant.
Coding change: c.2T>C on transcript NM_005787.6 (MANE Select); coding-DNA position 2, T replaced by C.
Protein change: p.Met1Thr; changes the start codon (methionine 1).
Molecular consequence: missense variant, initiator codon variant. On other transcripts: non-coding transcript variant (2), intron variant (1).
Genome position (GRCh38, 1-based): chr3:184,248,939, A>G on the plus strand (T>C on the coding strand, the complement: ALG3 is on the minus strand). VCF-style: chr3-184248939-A-G. GRCh37 (hg19) VCF-style: chr3-183966727-A-G.
Other names: c.52+287T>C (NM_001006941.2); short protein forms M1T.
Identifiers: ClinVar variation 988293 (VCV000988293.5), dbSNP rs773271124, ClinGen allele CA355426330.

ClinVar aggregate classification (germline): Pathogenic/Likely pathogenic. Review status: criteria provided, multiple submitters, no conflicts (2 of 4 stars). 2 submissions from 2 submitters: Pathogenic (1); Likely pathogenic (1). Last evaluated 2025-07-14.

Conditions:
ALG3-congenital disorder of glycosylation. Also called: CONGENITAL DISORDER OF GLYCOSYLATION, TYPE Id; CDG Id; ALG3-CDG; CARBOHYDRATE-DEFICIENT GLYCOPROTEIN SYNDROME, TYPE IV; CDGS, TYPE IV. Identifiers: Orphanet 79321, MedGen C1832736, MONDO:0010998, OMIM 601110.

Allele frequency attached by ClinVar (database versions not stated): TOPMed 0.00001.

Submissions (2):

Labcorp Genetics (formerly Invitae), Labcorp
Classification: Likely pathogenic for ALG3-congenital disorder of glycosylation. Last evaluated: 2025-07-14. Review status: criteria provided, single submitter. Criteria: Invitae Variant Classification Sherloc (09022015). Collection method: clinical testing. Allele origin: germline.
Comment: This sequence change affects the initiator codon of the ALG3 mRNA. This change may impact translation initiation or efficiency. The next in-frame methionine is located at codon 75. This variant is present in population databases (no rsID available, gnomAD 0.001%). Disruption of the initiator codon has been observed in individual(s) with congenital disorders of glycosylation type I (PMID: 27172925). ClinVar contains an entry for this variant (Variation ID: 988293). This variant disrupts a region of the ALG3 protein in which other variant(s) (p.Pro39Leu) have been observed in individuals with ALG3-related conditions (PMID: 18679822). This suggests that this is a clinically significant region of the protein, and that variants that disrupt it are likely to be disease-causing. In summary, the currently available evidence indicates that the variant is pathogenic, but additional data are needed to prove that conclusively. Therefore, this variant has been classified as Likely Pathogenic.

Clinical Genetics and Genomics, Karolinska University Hospital
Classification: Pathogenic. Last evaluated: 2015-12-15. Review status: criteria provided, single submitter. Criteria: ACMG Guidelines, 2015. Collection method: clinical testing. Allele origin: germline. Affected: yes. Observed: 1 variant allele.

Literature cited by the submitters: PubMed 27172925 (cited by Labcorp Genetics (formerly Invitae), Labcorp); PubMed 18679822 (cited by Labcorp Genetics (formerly Invitae), Labcorp).